The following is an entry in ClinVar:

NM_017802.4(DNAAF5):c.2082+5G>A

Gene: DNAAF5 (dynein axonemal assembly factor 5; plus strand). Cytogenetic location: 7p22.3.
Variant type: single nucleotide variant.
Coding change: c.2082+5G>A on transcript NM_017802.4 (MANE Select); 5 bases into the intron after coding-DNA position 2082, G replaced by A.
Molecular consequence: intron variant.
Genome position (GRCh38, 1-based): chr7:774,203, G>A. VCF-style: chr7-774203-G-A. GRCh37 (hg19) VCF-style: chr7-813840-G-A.
Identifiers: ClinVar variation 1422489 (VCV001422489.5), dbSNP rs1027651909, ClinGen allele CA152353304.
Genomic context (GRCh38, chr7:774,203, plus strand): 5'-CTGCCGTGTCCTGCCTCTGGGCGCTCACCAGCAGCGAGGTCCTGTCGGCAGAGCAGGTAC[G>A]GGGCTCCCTGCGTGCTCGGTGGACACCGGCCGGGGACTGCGCAGGCTTCCTGGCGCCCGG-3'

ClinVar aggregate classification (germline): Uncertain significance (1 of 4 stars; one submission).

Conditions:
Primary ciliary dyskinesia. Also called: Ciliary dyskinesia. Identifiers: Orphanet 244, MedGen C0008780, MONDO:0016575, HP:0012265.

Allele frequency attached by ClinVar (database versions not stated): gnomAD exomes below 0.00001.
gnomAD v4.1: 2 of 1,600,312 alleles (0.00012%); highest among the groups gnomAD compares: Admixed American, 0.0017%; no homozygotes.

Submission:

Labcorp Genetics (formerly Invitae), Labcorp
Classification: Uncertain significance for Primary ciliary dyskinesia. Last evaluated: 2021-08-27. Review status: criteria provided, single submitter. Criteria: Invitae Variant Classification Sherloc (09022015). Collection method: clinical testing. Allele origin: germline.
Comment: In summary, the available evidence is currently insufficient to determine the role of this variant in disease. Therefore, it has been classified as a Variant of Uncertain Significance. This sequence change falls in intron 10 of the DNAAF5 gene. It does not directly change the encoded amino acid sequence of the DNAAF5 protein. It affects a nucleotide within the consensus splice site of the intron. This variant is not present in population databases (ExAC no frequency). This variant has not been reported in the literature in individuals affected with DNAAF5-related conditions. Variants that disrupt the consensus splice site are a relatively common cause of aberrant splicing (PMID: 17576681, 9536098). Algorithms developed to predict the effect of sequence changes on RNA splicing suggest that this variant may disrupt the consensus splice site.

Literature cited by the submitters: PubMed 17576681; PubMed 9536098.